The following is an entry in ClinVar:

ClinVar aggregate classification (germline): Uncertain significance. Review status: criteria provided, multiple submitters, no conflicts (2 of 4 stars). 2 submissions from 2 submitters: Uncertain significance (2). Last evaluated 2019-11-13.

Conditions:
Hereditary cancer-predisposing syndrome. Also called: Neoplastic Syndromes, Hereditary; Hereditary Cancer Syndrome; Hereditary neoplastic syndrome; Tumor predisposition. Identifiers: Orphanet 140162, MedGen C0027672, MeSH D009386, MONDO:0015356.
Rhabdoid tumor predisposition syndrome 2 (RTPS2). Identifiers: Orphanet 231108, Orphanet 69077, MedGen C2750074, MONDO:0013224, OMIM 613325.

Allele frequency attached by ClinVar (database versions not stated): gnomAD exomes below 0.00001.
gnomAD v4.1: 2 of 1,614,228 alleles (0.00012%); highest among the groups gnomAD compares: Non-Finnish European, 0.00017%; no homozygotes.

Submissions (2):

Ambry Genetics
Classification: Uncertain significance for Hereditary cancer-predisposing syndrome. Last evaluated: 2019-11-13. Review status: criteria provided, single submitter. Criteria: Ambry Variant Classification Scheme 2023. Collection method: clinical testing. Allele origin: germline.
Comment: The p.K585E variant (also known as c.1753A>G), located in coding exon 9 of the SMARCA4 gene, results from an A to G substitution at nucleotide position 1753. The lysine at codon 585 is replaced by glutamic acid, an amino acid with similar properties. This amino acid position is highly conserved in available vertebrate species. In addition, this alteration is predicted to be tolerated by in silico analysis. Since supporting evidence is limited at this time, the clinical significance of this alteration remains unclear.

Labcorp Genetics (formerly Invitae), Labcorp
Classification: Uncertain significance for Rhabdoid tumor predisposition syndrome 2. Last evaluated: 2019-08-30. Review status: criteria provided, single submitter. Criteria: Invitae Variant Classification Sherloc (09022015). Collection method: clinical testing. Allele origin: germline.
Comment: This sequence change replaces lysine with glutamic acid at codon 585 of the SMARCA4 protein (p.Lys585Glu). The lysine residue is moderately conserved and there is a small physicochemical difference between lysine and glutamic acid. This variant is not present in population databases (ExAC no frequency). This variant has not been reported in the literature in individuals with SMARCA4-related conditions. Algorithms developed to predict the effect of missense changes on protein structure and function (SIFT, PolyPhen-2, Align-GVGD) all suggest that this variant is likely to be tolerated, but these predictions have not been confirmed by published functional studies and their clinical significance is uncertain. In summary, the available evidence is currently insufficient to determine the role of this variant in disease. Therefore, it has been classified as a Variant of Uncertain Significance.

NM_003072.5(SMARCA4):c.1753A>G (p.Lys585Glu)

Gene: SMARCA4 (SWI/SNF related BAF chromatin remodeling complex subunit ATPase 4; plus strand). Cytogenetic location: 19p13.2.
Variant type: single nucleotide variant.
Coding change: c.1753A>G on transcript NM_003072.5 (MANE Select); coding-DNA position 1753, A replaced by G.
Protein change: p.Lys585Glu; replaces lysine 585 with glutamic acid.
Molecular consequence: missense variant. On other transcripts: non-coding transcript variant (1).
Genome position (GRCh38, 1-based): chr19:10,996,372, A>G. VCF-style: chr19-10996372-A-G. GRCh37 (hg19) VCF-style: chr19-11107048-A-G.
Other names: c.1753A>G, p.Lys585Glu (NM_001128844.3, NM_001128845.2, NM_001128846.2 and 4 more transcripts); short protein forms K585E.
Identifiers: ClinVar variation 933617 (VCV000933617.3), dbSNP rs2087041445, ClinGen allele CA404064626.